The following is an entry in ClinVar:

NM_000268.4(NF2):c.537G>A (p.Met179Ile)

Gene: NF2 (NF2, moesin-ezrin-radixin like (MERLIN) tumor suppressor; plus strand). Cytogenetic location: 22q12.2.
Variant type: single nucleotide variant.
Coding change: c.537G>A on transcript NM_000268.4 (MANE Select); coding-DNA position 537, G replaced by A.
Protein change: p.Met179Ile; replaces methionine 179 with isoleucine.
Molecular consequence: missense variant. On other transcripts: initiator codon variant (1), intron variant (1).
Genome position (GRCh38, 1-based): chr22:29,655,614, G>A. VCF-style: chr22-29655614-G-A. GRCh37 (hg19) VCF-style: chr22-30051603-G-A.
Other names: c.423G>A, p.Met141Ile (NM_001407053.1, NM_001407056.1); c.414G>A, p.Met138Ile (NM_001407054.1, NM_001407058.1, NM_001407062.1 and 1 more transcripts); c.411G>A, p.Met137Ile (NM_001407055.1, NM_181828.3); c.537G>A, p.Met179Ile (NM_001407057.1, NM_001407059.1, NM_001407060.1 and 4 more transcripts); c.288G>A, p.Met96Ile (NM_001407063.1, NM_001407064.1, NM_181830.3 and 1 more transcripts); c.3G>A, p.Met1Ile (NM_001407065.1); c.306G>A, p.Met102Ile (NM_001407067.1); c.447+13329G>A (NM_181833.3); short protein forms M141I, M96I, M137I, M1I, M102I, M138I, M179I.
Identifiers: ClinVar variation 2818038 (VCV002818038.3), dbSNP rs2146972207, ClinGen allele CA411142559.
Genomic context (GRCh38, chr22:29,655,614, plus strand): 5'-TTCATGTGTAGGTTTTTTATTTTGCTCTATTTTTTGGTAGGTAATAAATCTGTATCAGAT[G>A]ACTCCGGAAATGTGGGAGGAGAGAATTACTGCTTGGTACGCAGAGCACCGAGGCCGAGCC-3'
Protein context (NP_000259.1, residues 169-189): LPKRVINLYQ[Met179Ile]TPEMWEERIT

ClinVar aggregate classification (germline): Uncertain significance (1 of 4 stars; one submission).

Conditions:
Neurofibromatosis, type 2 (SWNV). Also called: BILATERAL ACOUSTIC NEUROFIBROMATOSIS; NF2-Related Schwannomatosis; SCHWANNOMATOSIS, VESTIBULAR. Identifiers: Orphanet 637, MedGen C0027832, MONDO:0007039, OMIM 101000. Disease mechanism: loss of function.

Submission:

Labcorp Genetics (formerly Invitae), Labcorp
Classification: Uncertain significance for Neurofibromatosis, type 2. Last evaluated: 2023-08-19. Review status: criteria provided, single submitter. Criteria: Invitae Variant Classification Sherloc (09022015). Collection method: clinical testing. Allele origin: germline.
Comment: In summary, the available evidence is currently insufficient to determine the role of this variant in disease. Therefore, it has been classified as a Variant of Uncertain Significance. Advanced modeling of protein sequence and biophysical properties (such as structural, functional, and spatial information, amino acid conservation, physicochemical variation, residue mobility, and thermodynamic stability) has been performed at Invitae for this missense variant, however the output from this modeling did not meet the statistical confidence thresholds required to predict the impact of this variant on NF2 protein function. This variant has not been reported in the literature in individuals affected with NF2-related conditions. This variant is not present in population databases (gnomAD no frequency). This sequence change replaces methionine, which is neutral and non-polar, with isoleucine, which is neutral and non-polar, at codon 179 of the NF2 protein (p.Met179Ile).